The following is an entry in ClinVar:

ClinVar aggregate classification (germline): Pathogenic. Review status: criteria provided, multiple submitters, no conflicts (2 of 4 stars). 2 submissions from 2 submitters: Pathogenic (2). Last evaluated 2023-09-21.

Conditions:
Retinitis pigmentosa 25 (RP25). Identifiers: Orphanet 791, MedGen C1864446, MONDO:0011272, OMIM 602772.

Allele frequency attached by ClinVar (database versions not stated): gnomAD 0.00001; ExAC 0.00005.
gnomAD v4.1: 1 of 1,549,024 alleles (0.000065%); highest among the groups gnomAD compares: Admixed American, 0.002%; no homozygotes.

Submissions (2):

Labcorp Genetics (formerly Invitae), Labcorp
Classification: Pathogenic. Last evaluated: 2023-09-21. Review status: criteria provided, single submitter. Criteria: Invitae Variant Classification Sherloc (09022015). Collection method: clinical testing. Allele origin: germline.
Comment: This variant has not been reported in the literature in individuals affected with EYS-related conditions. This sequence change creates a premature translational stop signal (p.Glu771*) in the EYS gene. It is expected to result in an absent or disrupted protein product. Loss-of-function variants in EYS are known to be pathogenic (PMID: 18836446, 20333770). The frequency data for this variant in the population databases is considered unreliable, as metrics indicate poor data quality at this position in the gnomAD database. Algorithms developed to predict the effect of sequence changes on RNA splicing suggest that this variant may disrupt the consensus splice site. For these reasons, this variant has been classified as Pathogenic.

Kariminejad - Najmabadi Pathology & Genetics Center
Classification: Pathogenic for Retinitis pigmentosa 25. Review status: criteria provided, single submitter. Criteria: ACMG Guidelines, 2015. Collection method: clinical testing. Allele origin: germline. Affected: no.

Literature cited by the submitters: PubMed 18836446 (cited by Labcorp Genetics (formerly Invitae), Labcorp); PubMed 20333770 (cited by Labcorp Genetics (formerly Invitae), Labcorp).

NM_001142800.2(EYS):c.2311G>T (p.Glu771Ter)

Gene: EYS (EGF-like photoreceptor maintenance factor; minus strand). Cytogenetic location: 6q12.
Variant type: single nucleotide variant.
Coding change: c.2311G>T on transcript NM_001142800.2 (MANE Select); coding-DNA position 2311, G replaced by T.
Protein change: p.Glu771Ter; replaces glutamic acid 771 with a stop codon.
Molecular consequence: nonsense.
Genome position (GRCh38, 1-based): chr6:64,945,863, C>A on the plus strand (G>T on the coding strand, the complement: EYS is on the minus strand). VCF-style: chr6-64945863-C-A. GRCh37 (hg19) VCF-style: chr6-65655756-C-A.
Other names: c.2311G>T, p.Glu771Ter (NM_001292009.2); short protein forms E771*.
Identifiers: ClinVar variation 2806527 (VCV002806527.4), dbSNP rs760375583, ClinGen allele CA3877295.
Genomic context (GRCh38, chr6:64,945,863, plus strand): 5'-TGTAAAGGTCAGTACAGGTGGAATTGTTCTTGCAAGGATTCATTTTACACTCATTGGATT[C>A]TTGTTCACAAAAATTTCCTTCCCAATCAGATAGGCACACACACTGGTAGCTCTAAGAGAA-3'